The following is an entry in ClinVar:

NM_003126.4(SPTA1):c.4694T>A (p.Leu1565Gln)

Gene: SPTA1 (spectrin alpha, erythrocytic 1; minus strand). Cytogenetic location: 1q23.1.
Variant type: single nucleotide variant.
Coding change: c.4694T>A on transcript NM_003126.4 (MANE Select); coding-DNA position 4694, T replaced by A.
Protein change: p.Leu1565Gln; replaces leucine 1565 with glutamine.
Molecular consequence: missense variant.
Genome position (GRCh38, 1-based): chr1:158,642,454, A>T on the plus strand (T>A on the coding strand, the complement: SPTA1 is on the minus strand). VCF-style: chr1-158642454-A-T. GRCh37 (hg19) VCF-style: chr1-158612244-A-T.
Other names: p.Leu1565Gln; short protein forms L1565Q.
Identifiers: ClinVar variation 292981 (VCV000292981.23), dbSNP rs202217097, ClinGen allele CA1182599.
Genomic context (GRCh38, chr1:158,642,454, plus strand): 5'-CTCATCCTGAGCTTTACCTTCATGGCCTCTTCATTGCCATCACAAGCGCTACACTCAATC[A>T]GGGAGTTCCCCAGGTTGATGACGCCATGCACCTGCTCAGATCGGCCATCGACTTCATGTG-3'
Protein context (NP_003117.2, residues 1555-1575): VHGVINLGNS[Leu1565Gln]IECSACDGNE

ClinVar aggregate classification (germline): Conflicting classifications of pathogenicity. Review status: criteria provided, conflicting classifications (1 of 4 stars). 9 submissions from 7 submitters: Uncertain significance (7); Likely benign (2). Last evaluated 2025-12-18.

Conditions:
Pyropoikilocytosis, hereditary. Also called: Pyropoikilocytosis. Identifiers: MedGen C0520739, MONDO:0009948, OMIM 266140, HP:0004839. Disease mechanism: loss of function.
Elliptocytosis 2 (EL2). Also called: ELLIPTOCYTOSIS, RHESUS-UNLINKED TYPE. Identifiers: Orphanet 288, MedGen C1851741, MONDO:0007533, OMIM 130600.
Hereditary spherocytosis type 3. Also called: Spherocytosis type 3; SPTA1-Related Spherocytosis. Identifiers: Orphanet 822, MedGen C2678338, MONDO:0010053, OMIM 270970.
SPTA1-related disorder. Also called: SPTA1-related condition; SPTA1-related disorders.

Allele frequency attached by ClinVar (database versions not stated): gnomAD exomes 0.00008 and 0.00020; ExAC 0.00027; 1000 Genomes Project 0.00060; 1000 Genomes Project 30x 0.00062; ESP Exome Variant Server 0.00065; gnomAD 0.00088 and 0.00091; TOPMed 0.00090.
gnomAD v4.1: 273 of 1,613,708 alleles (0.017%); highest among the groups gnomAD compares: African/African-American, 0.31%; no homozygotes.

Submissions (9):

PreventionGenetics, part of Exact Sciences
Classification: Uncertain significance for SPTA1-related condition. Last evaluated: 2025-12-18. Review status: criteria provided, single submitter. Criteria: ACMG Guidelines, 2015. Collection method: clinical testing. Allele origin: germline.
Comment: The SPTA1 c.4694T>A variant is predicted to result in the amino acid substitution p.Leu1565Gln. To our knowledge, this variant has not been reported in the literature in individuals with SPTA1-related disorders. This variant is reported in 0.29% of alleles in individuals of African descent in gnomAD. Although we suspect that this variant may be benign, the clinical significance of this variant is uncertain at this time due to the absence of conclusive functional and genetic evidence.

Labcorp Genetics (formerly Invitae), Labcorp
Classification: Likely benign. Last evaluated: 2025-10-21. Review status: criteria provided, single submitter. Criteria: Invitae Variant Classification Sherloc (09022015). Collection method: clinical testing. Allele origin: germline.

Revvity Omics, Revvity
Classification: Uncertain significance. Last evaluated: 2024-11-25. Review status: criteria provided, single submitter. Criteria: ACMG Guidelines, 2015. Collection method: clinical testing. Allele origin: germline.

GeneDx
Classification: Uncertain significance. Last evaluated: 2024-02-03. Review status: criteria provided, single submitter. Criteria: GeneDx Variant Classification Process June 2021. Collection method: clinical testing. Allele origin: germline. Affected: yes.
Comment: Reported in two brothers with cone-rod dystrophy who also harbor an additional variant in the SPTA1 gene; however, these patients also harbor two variants in the CC2D2A gene (PMID: 30267408); In silico analysis supports that this missense variant has a deleterious effect on protein structure/function; This variant is associated with the following publications: (PMID: 32923880, 30267408)

ARUP Laboratories, Molecular Genetics and Genomics, ARUP Laboratories
Classification: Uncertain significance. Last evaluated: 2024-01-31. Review status: criteria provided, single submitter. Criteria: ARUP Molecular Germline Variant Investigation Process 2024. Collection method: clinical testing. Allele origin: germline.

Mayo Clinic Laboratories, Mayo Clinic
Classification: Uncertain significance. Last evaluated: 2023-09-25. Review status: criteria provided, single submitter. Criteria: ACMG Guidelines, 2015. Collection method: clinical testing. Allele origin: germline. Observed: 2 variant alleles.
Comment: PP3

Illumina Laboratory Services, Illumina
Classification: Likely benign for Elliptocytosis 2. Last evaluated: 2018-01-13. Review status: criteria provided, single submitter. Criteria: ICSL Variant Classification Criteria 13 December 2019. Collection method: clinical testing. Allele origin: germline.
Comment: This variant was observed in the ICSL laboratory as part of a predisposition screen in an ostensibly healthy population. It had not been previously curated by ICSL or reported in the Human Gene Mutation Database (HGMD: prior to June 1st, 2018), and was therefore a candidate for classification through an automated scoring system. Utilizing variant allele frequency, disease prevalence and penetrance estimates, and inheritance mode, an automated score was calculated to assess if this variant is too frequent to cause the disease. Based on the score and internal cut-off values, a variant classified as likely benign is not then subjected to further curation. The score for this variant resulted in a classification of likely benign for this disease.

Illumina Laboratory Services, Illumina
Classification: Uncertain significance for Pyropoikilocytosis, hereditary. Last evaluated: 2018-01-13. Review status: criteria provided, single submitter. Criteria: ICSL Variant Classification Criteria 13 December 2019. Collection method: clinical testing. Allele origin: germline.

Illumina Laboratory Services, Illumina
Classification: Uncertain significance for Hereditary spherocytosis type 3. Last evaluated: 2018-01-13. Review status: criteria provided, single submitter. Criteria: ICSL Variant Classification Criteria 13 December 2019. Collection method: clinical testing. Allele origin: germline.

Literature cited by the submitters: PubMed 30267408 (cited by Mayo Clinic Laboratories, Mayo Clinic).